The following is an entry in ClinVar:

NM_003738.5(PTCH2):c.1726G>T (p.Val576Leu)

Gene: PTCH2 (patched 2; minus strand). Cytogenetic location: 1p34.1.
Variant type: single nucleotide variant.
Coding change: c.1726G>T on transcript NM_003738.5 (MANE Select); coding-DNA position 1726, G replaced by T.
Protein change: p.Val576Leu; replaces valine 576 with leucine.
Molecular consequence: missense variant.
Genome position (GRCh38, 1-based): chr1:44,828,175, C>A on the plus strand (G>T on the coding strand, the complement: PTCH2 is on the minus strand). VCF-style: chr1-44828175-C-A. GRCh37 (hg19) VCF-style: chr1-45293847-C-A.
Other names: c.1726G>T, p.Val576Leu (NM_001166292.2); c.1726G>T (NM_003738.4); short protein forms V576L.
Identifiers: ClinVar variation 1019326 (VCV001019326.10), dbSNP rs867905557, ClinGen allele CA21745336.

ClinVar aggregate classification (germline): Uncertain significance. Review status: criteria provided, multiple submitters, no conflicts (2 of 4 stars). 2 submissions from 2 submitters: Uncertain significance (2). Last evaluated 2025-01-02.

Conditions:
Gorlin syndrome. Also called: Nevoid Basal Cell Carcinoma Syndrome; Basal cell nevus syndrome. Identifiers: Orphanet 377, MedGen C0004779, MONDO:0007187.

Allele frequency attached by ClinVar (database versions not stated): gnomAD 0.00002; TOPMed 0.00002.
gnomAD v4.1: 12 of 1,613,594 alleles (0.00074%); highest among the groups gnomAD compares: African/African-American, 0.013%; no homozygotes.

Submissions (2):

Ambry Genetics
Classification: Uncertain significance. Last evaluated: 2025-01-02. Review status: criteria provided, single submitter. Criteria: Ambry Variant Classification Scheme 2023. Collection method: clinical testing. Allele origin: germline.

Labcorp Genetics (formerly Invitae), Labcorp
Classification: Uncertain significance for Gorlin syndrome. Last evaluated: 2024-04-29. Review status: criteria provided, single submitter. Criteria: Invitae Variant Classification Sherloc (09022015). Collection method: clinical testing. Allele origin: germline.
Comment: This sequence change replaces valine, which is neutral and non-polar, with leucine, which is neutral and non-polar, at codon 576 of the PTCH2 protein (p.Val576Leu). This variant is present in population databases (no rsID available, gnomAD 0.01%). This variant has not been reported in the literature in individuals affected with PTCH2-related conditions. ClinVar contains an entry for this variant (Variation ID: 1019326). Advanced modeling of protein sequence and biophysical properties (such as structural, functional, and spatial information, amino acid conservation, physicochemical variation, residue mobility, and thermodynamic stability) performed at Invitae indicates that this missense variant is not expected to disrupt PTCH2 protein function with a negative predictive value of 80%. In summary, the available evidence is currently insufficient to determine the role of this variant in disease. Therefore, it has been classified as a Variant of Uncertain Significance.